The following is an entry in ClinVar:

NM_000116.5(TAFAZZIN):c.67G>A (p.Val23Ile)

Genes: DNASE1L1 (deoxyribonuclease 1 like 1; minus strand), TAFAZZIN (tafazzin, phospholipid-lysophospholipid transacylase; plus strand), LOC130068869 (ATAC-STARR-seq lymphoblastoid silent region 21101; plus strand). Cytogenetic location: Xq28.
Variant type: single nucleotide variant.
Coding change: c.67G>A on transcript NM_000116.5 (MANE Select); coding-DNA position 67, G replaced by A.
Protein change: p.Val23Ile; replaces valine 23 with isoleucine.
Molecular consequence: missense variant. On other transcripts: non-coding transcript variant (1), 5 prime UTR variant (3).
Genome position (GRCh38, 1-based): chrX:154,411,910, G>A. VCF-style: chrX-154411910-G-A. GRCh37 (hg19) VCF-style: chrX-153640247-G-A.
Other names: c.67G>A, p.Val23Ile (NM_001440857.1, NM_001440858.1, NM_181311.4 and 5 more transcripts); c.-192C>T (NM_001009933.3); c.-107C>T (NM_001009934.3); c.-450C>T (NM_001009932.3); short protein forms V23I.
Identifiers: ClinVar variation 1800135 (VCV001800135.2), dbSNP rs2522919882, ClinGen allele CA415178339.

ClinVar aggregate classification (germline): Uncertain significance (1 of 4 stars; one submission).

Conditions:
Cardiovascular phenotype. Identifiers: MedGen CN230736.

Submission:

Ambry Genetics
Classification: Uncertain significance for Cardiovascular phenotype. Last evaluated: 2020-10-14. Review status: criteria provided, single submitter. Criteria: Ambry Variant Classification Scheme 2023. Collection method: clinical testing. Allele origin: germline.
Comment: The p.V23I variant (also known as c.67G>A), located in coding exon 1 of the TAZ gene, results from a G to A substitution at nucleotide position 67. The valine at codon 23 is replaced by isoleucine, an amino acid with highly similar properties. This amino acid position is not well conserved in available vertebrate species, and isoleucine is the reference amino acid in other vertebrate species. In addition, this alteration is predicted to be tolerated by in silico analysis. Since supporting evidence is limited at this time, the clinical significance of this alteration remains unclear.